The following is an entry in ClinVar:

ClinVar aggregate classification (germline): Uncertain significance (1 of 4 stars; one submission).

Submission:

Labcorp Genetics (formerly Invitae), Labcorp
Classification: Uncertain significance. Last evaluated: 2023-03-12. Review status: criteria provided, single submitter. Criteria: Invitae Variant Classification Sherloc (09022015). Collection method: clinical testing. Allele origin: germline.
Comment: In summary, the available evidence is currently insufficient to determine the role of this variant in disease. Therefore, it has been classified as a Variant of Uncertain Significance. Algorithms developed to predict the effect of sequence changes on RNA splicing suggest that this variant may disrupt the consensus splice site. An algorithm developed to predict the effect of missense changes on protein structure and function (PolyPhen-2) suggests that this variant is likely to be tolerated. This variant has not been reported in the literature in individuals affected with ZNF687-related conditions. This variant is not present in population databases (gnomAD no frequency). This sequence change replaces glutamine, which is neutral and polar, with histidine, which is basic and polar, at codon 912 of the ZNF687 protein (p.Gln912His).

NM_020832.3(ZNF687):c.2736G>C (p.Gln912His)

Gene: ZNF687 (zinc finger protein 687; plus strand). Cytogenetic location: 1q21.3.
Variant type: single nucleotide variant.
Coding change: c.2736G>C on transcript NM_020832.3 (MANE Select); coding-DNA position 2736, G replaced by C.
Protein change: p.Gln912His; replaces glutamine 912 with histidine.
Molecular consequence: missense variant.
Genome position (GRCh38, 1-based): chr1:151,289,779, G>C. VCF-style: chr1-151289779-G-C. GRCh37 (hg19) VCF-style: chr1-151262255-G-C.
Other names: c.2736G>C, p.Gln912His (NM_001304763.2, NM_001304764.2); short protein forms Q912H.
Identifiers: ClinVar variation 2845128 (VCV002845128.3), dbSNP rs2528532146, ClinGen allele CA341953956.
Genomic context (GRCh38, chr1:151,289,779, plus strand): 5'-AGGGGCCGGGGGTGCCCTGCTGACCCCCAAGACTGAGCCTGAGGAGCTGGCTGTTTCTCA[G>C]GGAGGGGCAGCCCCTGCTACTGAGGAGTCGTCTTCATCTTCAGAAGAGGAGGAAGTACCC-3'
Protein context (NP_065883.1, residues 902-922): KTEPEELAVS[Gln912His]GGAAPATEES